The following is an entry in ClinVar:

NM_030665.4(RAI1):c.1165C>T (p.His389Tyr)

Gene: RAI1 (retinoic acid induced 1; plus strand). Cytogenetic location: 17p11.2.
Variant type: single nucleotide variant.
Coding change: c.1165C>T on transcript NM_030665.4 (MANE Select); coding-DNA position 1165, C replaced by T.
Protein change: p.His389Tyr; replaces histidine 389 with tyrosine.
Molecular consequence: missense variant.
Genome position (GRCh38, 1-based): chr17:17,794,113, C>T. VCF-style: chr17-17794113-C-T. GRCh37 (hg19) VCF-style: chr17-17697427-C-T.
Other names: short protein forms H389Y.
Identifiers: ClinVar variation 4979304 (VCV004979304.1).

ClinVar aggregate classification (germline): Uncertain significance (1 of 4 stars; one submission).

Conditions:
RAI1-related disorder. Also called: RAI1-related condition.

gnomAD v4.1: 11 of 1,614,074 alleles (0.00068%); highest among the groups gnomAD compares: South Asian, 0.0033%; no homozygotes.

Submission:

PreventionGenetics, part of Exact Sciences
Classification: Uncertain significance for RAI1-related condition. Last evaluated: 2026-02-22. Review status: criteria provided, single submitter. Criteria: ACMG Guidelines, 2015. Collection method: clinical testing. Allele origin: germline.
Comment: The RAI1 c.1165C>T variant is predicted to result in the amino acid substitution p.His389Tyr. To our knowledge, this variant has not been reported in the literature. This variant is reported in 0.00088% of alleles in individuals of European (Non-Finnish) descent in gnomAD. At this time, the clinical significance of this variant is uncertain due to the absence of conclusive functional and genetic evidence.